The following is an entry in ClinVar:

ClinVar aggregate classification (germline): Conflicting classifications of pathogenicity. Review status: criteria provided, conflicting classifications (1 of 4 stars). 2 submissions from 2 submitters: Uncertain significance (1); Likely benign (1). Last evaluated 2024-12-11.

Conditions:
Microcephaly, normal intelligence and immunodeficiency (NBS). Also called: BERLIN BREAKAGE SYNDROME; Ataxia telangiectasia variant V1; IMMUNODEFICIENCY, MICROCEPHALY, AND CHROMOSOMAL INSTABILITY; SEEMANOVA SYNDROME II; Immunodeficiency, microcephaly with normal intelligence; Nijmegen breakage syndrome. Identifiers: Orphanet 647, MedGen C0398791, MONDO:0009623, OMIM 251260.
Hereditary cancer-predisposing syndrome. Also called: Tumor predisposition; Neoplastic Syndromes, Hereditary; Hereditary Cancer Syndrome; Hereditary neoplastic syndrome. Identifiers: Orphanet 140162, MedGen C0027672, MeSH D009386, MONDO:0015356.

Submissions (2):

Labcorp Genetics (formerly Invitae), Labcorp
Classification: Uncertain significance for Microcephaly, normal intelligence and immunodeficiency. Last evaluated: 2024-12-11. Review status: criteria provided, single submitter. Criteria: Invitae Variant Classification Sherloc (09022015). Collection method: clinical testing. Allele origin: germline.
Comment: This sequence change replaces proline, which is neutral and non-polar, with leucine, which is neutral and non-polar, at codon 672 of the NBN protein (p.Pro672Leu). The frequency data for this variant in the population databases is considered unreliable, as metrics indicate poor data quality at this position in the gnomAD database. This variant has not been reported in the literature in individuals affected with NBN-related conditions. ClinVar contains an entry for this variant (Variation ID: 627700). An algorithm developed to predict the effect of missense changes on protein structure and function outputs the following: PolyPhen-2: "Benign". The leucine amino acid residue is found in multiple mammalian species, which suggests that this missense change does not adversely affect protein function. In summary, the available evidence is currently insufficient to determine the role of this variant in disease. Therefore, it has been classified as a Variant of Uncertain Significance.

Ambry Genetics
Classification: Likely benign for Hereditary cancer-predisposing syndrome. Last evaluated: 2023-01-29. Review status: criteria provided, single submitter. Criteria: Ambry Variant Classification Scheme 2023. Collection method: clinical testing. Allele origin: germline.

NM_002485.5(NBN):c.2015_2016inv (p.Pro672Leu)

Gene: NBN (nibrin; minus strand). Cytogenetic location: 8q21.3.
Variant type: Inversion.
Coding change: c.2015_2016inv on transcript NM_002485.5 (MANE Select).
Protein change: p.Pro672Leu; replaces proline 672 with leucine.
Molecular consequence: missense variant.
Genome position: GRCh38 VCF-style: chr8-89946194-TG-CA. GRCh37 (hg19) VCF-style: chr8-90958422-TG-CA.
Other names: c.1769_1770inv, p.Pro590Leu (NM_001024688.3); short protein forms P672L, P590L.
Identifiers: ClinVar variation 627700 (VCV000627700.12), ClinGen allele CA913187595.